The following is an entry in ClinVar:

ClinVar aggregate classification (germline): Pathogenic/Likely pathogenic. Review status: criteria provided, multiple submitters, no conflicts (2 of 4 stars). 2 submissions from 2 submitters: Pathogenic (1); Likely pathogenic (1). Last evaluated 2020-06-11.

Conditions:
Wilson disease (WND). Also called: Wilson's disease. Identifiers: Orphanet 905, MedGen C0019202, MONDO:0010200, OMIM 277900. Disease mechanism: loss of function.

Submissions (2):

Laboratory for Molecular Medicine, Mass General Brigham Personalized Medicine
Classification: Likely pathogenic for Wilson disease. Last evaluated: 2020-06-11. Review status: criteria provided, single submitter. Criteria: ACMG Guidelines, 2015. Collection method: clinical testing. Allele origin: germline.
Comment: The p.Ser307AlafsX13 variant in ATP7B has been previously reported in 1/210 chromosomes from a cohort of patients with Wilson disease (Davies 2008) and was absent from large population studies. This variant is predicted to cause a frameshift, which alters the protein’s amino acid sequence beginning at position 307 and leads to a premature termination codon 13 amino acids downstream. This alteration is then predicted to lead to a truncated or absent protein. Loss of function of the ATP7B gene is an established disease mechanism in autosomal recessive Wilson disease. In summary, although additional studies are required to fully establish its clinical significance, this variant meets criteria to be classified as likely pathogenic for autosomal recessive Wilson disease. ACMG/AMP Criteria applied: PVS1, PM2.

Labcorp Genetics (formerly Invitae), Labcorp
Classification: Pathogenic for Wilson disease. Last evaluated: 2019-12-15. Review status: criteria provided, single submitter. Criteria: Invitae Variant Classification Sherloc (09022015). Collection method: clinical testing. Allele origin: germline.
Comment: For these reasons, this variant has been classified as Pathogenic. Loss-of-function variants in ATP7B are known to be pathogenic (PMID: 10441329, 16283883). This variant has been observed in individual(s) with Wilson disease (PMID: 18373411). This variant is not present in population databases (ExAC no frequency). This sequence change creates a premature translational stop signal (p.Ser307Alafs*13) in the ATP7B gene. It is expected to result in an absent or disrupted protein product.

Literature cited by the submitters: PubMed 10441329 (cited by Labcorp Genetics (formerly Invitae), Labcorp); PubMed 16283883 (cited by Labcorp Genetics (formerly Invitae), Labcorp); PubMed 18373411 (cited by Labcorp Genetics (formerly Invitae), Labcorp).

NM_000053.4(ATP7B):c.918_931del (p.Ser307fs)

Gene: ATP7B (ATPase copper transporting beta; minus strand). Cytogenetic location: 13q14.3.
Variant type: Deletion.
Coding change: c.918_931del on transcript NM_000053.4 (MANE Select); coding-DNA positions 918 to 931, 14 bases deleted (CAGCCCAGTGGCTC).
Protein change: p.Ser307fs; shifts the reading frame from serine 307.
Molecular consequence: frameshift variant. On other transcripts: intron variant (1).
Genome position (GRCh38, 1-based): chr13:51,974,289-51,974,302, GAGCCACTGGGCTG deleted on the plus strand (CAGCCCAGTGGCTC on the coding strand, the reverse complement: ATP7B is on the minus strand); deleting any 14 consecutive bases within chr13:51,974,289-51,974,303 gives the same sequence; the c. name uses the placement nearest the transcript's 3' end. VCF-style (leftmost placement, unchanged base first): chr13-51974288-AGAGCCACTGGGCTG-A. GRCh37 (hg19) VCF-style: chr13-52548424-AGAGCCACTGGGCTG-A.
Other names: c.918_931del, p.Ser307fs (NM_001005918.3, NM_001330578.2, NM_001330579.2); c.802+116_802+129del (NM_001243182.2); short protein forms S307fs.
Identifiers: ClinVar variation 861124 (VCV000861124.10), dbSNP rs1951995448, ClinGen allele CA916083354.